The following is an entry in ClinVar:

ClinVar aggregate classification (germline): Uncertain significance (1 of 4 stars; one submission).

gnomAD v4.1: 1 of 1,208,956 alleles (0.000083%); highest among the groups gnomAD compares: African/African-American, 0.0018%; no homozygotes.

Submission:

Labcorp Genetics (formerly Invitae), Labcorp
Classification: Uncertain significance. Last evaluated: 2025-05-05. Review status: criteria provided, single submitter. Criteria: Invitae Variant Classification Sherloc (09022015). Collection method: clinical testing. Allele origin: germline.
Comment: This sequence change replaces glycine, which is neutral and non-polar, with aspartic acid, which is acidic and polar, at codon 7 of the RS1 protein (p.Gly7Asp). This variant is not present in population databases (gnomAD no frequency). This variant has not been reported in the literature in individuals affected with RS1-related conditions. Invitae Evidence Modeling of protein sequence and biophysical properties (such as structural, functional, and spatial information, amino acid conservation, physicochemical variation, residue mobility, and thermodynamic stability) indicates that this missense variant is not expected to disrupt RS1 protein function with a negative predictive value of 95%. In summary, the available evidence is currently insufficient to determine the role of this variant in disease. Therefore, it has been classified as a Variant of Uncertain Significance.

NM_000330.4(RS1):c.20G>A (p.Gly7Asp)

Gene: RS1 (retinoschisin 1; minus strand). Cytogenetic location: Xp22.13.
Variant type: single nucleotide variant.
Coding change: c.20G>A on transcript NM_000330.4 (MANE Select); coding-DNA position 20, G replaced by A.
Protein change: p.Gly7Asp; replaces glycine 7 with aspartic acid.
Molecular consequence: missense variant.
Genome position (GRCh38, 1-based): chrX:18,672,049, C>T on the plus strand (G>A on the coding strand, the complement: RS1 is on the minus strand). VCF-style: chrX-18672049-C-T. GRCh37 (hg19) VCF-style: chrX-18690169-C-T.
Other names: short protein forms G7D.
Identifiers: ClinVar variation 4704925 (VCV004704925.1).